The following is an entry in ClinVar:

NM_198578.4(LRRK2):c.612T>A (p.Asp204Glu)

Gene: LRRK2 (leucine rich repeat kinase 2; plus strand). Cytogenetic location: 12q12.
Variant type: single nucleotide variant.
Coding change: c.612T>A on transcript NM_198578.4 (MANE Select); coding-DNA position 612, T replaced by A.
Protein change: p.Asp204Glu; replaces aspartic acid 204 with glutamic acid.
Molecular consequence: missense variant.
Genome position (GRCh38, 1-based): chr12:40,240,523, T>A. VCF-style: chr12-40240523-T-A. GRCh37 (hg19) VCF-style: chr12-40634325-T-A.
Other names: short protein forms D204E.
Identifiers: ClinVar variation 1751791 (VCV001751791.2), dbSNP rs2499435975, ClinGen allele CA384404648.

ClinVar aggregate classification (germline): Uncertain significance (1 of 4 stars; one submission).

Conditions:
Inborn genetic diseases. Identifiers: MedGen C0950123, MeSH D030342.

Submission:

Ambry Genetics
Classification: Uncertain significance for Inborn genetic diseases. Last evaluated: 2021-11-10. Review status: criteria provided, single submitter. Criteria: Ambry Variant Classification Scheme 2023. Collection method: clinical testing. Allele origin: germline.
Comment: The p.D204E variant (also known as c.612T>A), located in coding exon 6 of the LRRK2 gene, results from a T to A substitution at nucleotide position 612. The aspartic acid at codon 204 is replaced by glutamic acid, an amino acid with highly similar properties. This amino acid position is conserved. In addition, this alteration is predicted to be tolerated by in silico analysis. Since supporting evidence is limited at this time, the clinical significance of this alteration remains unclear.